The following is an entry in ClinVar:

NM_001378609.3(OTOGL):c.715T>C (p.Ser239Pro)

Gene: OTOGL (otogelin like; plus strand). Cytogenetic location: 12q21.31.
Variant type: single nucleotide variant.
Coding change: c.715T>C on transcript NM_001378609.3 (MANE Select); coding-DNA position 715, T replaced by C.
Protein change: p.Ser239Pro; replaces serine 239 with proline.
Molecular consequence: missense variant.
Genome position (GRCh38, 1-based): chr12:80,232,995, T>C. VCF-style: chr12-80232995-T-C. GRCh37 (hg19) VCF-style: chr12-80626775-T-C.
Other names: c.715T>C, p.Ser239Pro (NM_001368062.3, NM_001378610.3, NM_173591.7); short protein forms S239P.
Identifiers: ClinVar variation 2101007 (VCV002101007.4), dbSNP rs1291394309, ClinGen allele CA385857207.

ClinVar aggregate classification (germline): Uncertain significance (1 of 4 stars; one submission).

Allele frequency attached by ClinVar (database versions not stated): gnomAD exomes 0.00001; TOPMed 0.00001.
gnomAD v4.1: 3 of 1,598,766 alleles (0.00019%); highest among the groups gnomAD compares: Admixed American, 0.005%; no homozygotes.

Submission:

Labcorp Genetics (formerly Invitae), Labcorp
Classification: Uncertain significance. Last evaluated: 2022-08-19. Review status: criteria provided, single submitter. Criteria: Invitae Variant Classification Sherloc (09022015). Collection method: clinical testing. Allele origin: germline.
Comment: This variant has not been reported in the literature in individuals affected with OTOGL-related conditions. In summary, the available evidence is currently insufficient to determine the role of this variant in disease. Therefore, it has been classified as a Variant of Uncertain Significance. Algorithms developed to predict the effect of missense changes on protein structure and function are either unavailable or do not agree on the potential impact of this missense change (SIFT: "Deleterious"; PolyPhen-2: "Probably Damaging"; Align-GVGD: "Class C0"). This variant is present in population databases (no rsID available, gnomAD 0.006%). This sequence change replaces serine, which is neutral and polar, with proline, which is neutral and non-polar, at codon 230 of the OTOGL protein (p.Ser230Pro).